The following is an entry in ClinVar:

ClinVar aggregate classification (germline): Uncertain significance (1 of 4 stars; one submission).

Conditions:
Fabry disease. Also called: Fabry's disease; ALPHA-GALACTOSIDASE A DEFICIENCY; ANDERSON-FABRY DISEASE; CERAMIDE TRIHEXOSIDASE DEFICIENCY; GLA DEFICIENCY; HEREDITARY DYSTOPIC LIPIDOSIS. Identifiers: Orphanet 324, MedGen C0002986, MONDO:0010526, OMIM 301500, HP:0001071. Disease mechanism: Fabry disease is due to inactivating mutations in the X-linked GLA gene resulting in deficiency of the enzyme Alpha Galactosidase-A., loss of function.

Submission:

Labcorp Genetics (formerly Invitae), Labcorp
Classification: Uncertain significance for Fabry disease. Last evaluated: 2020-12-29. Review status: criteria provided, single submitter. Criteria: Invitae Variant Classification Sherloc (09022015). Collection method: clinical testing. Allele origin: germline.
Comment: In summary, the available evidence is currently insufficient to determine the role of this variant in disease. Therefore, it has been classified as a Variant of Uncertain Significance. Algorithms developed to predict the effect of missense changes on protein structure and function (SIFT, PolyPhen-2, Align-GVGD) all suggest that this variant is likely to be tolerated, but these predictions have not been confirmed by published functional studies and their clinical significance is uncertain. This variant has not been reported in the literature in individuals with GLA-related conditions. This variant is not present in population databases (ExAC no frequency). This sequence change replaces aspartic acid with glutamic acid at codon 153 of the GLA protein (p.Asp153Glu). The aspartic acid residue is highly conserved and there is a small physicochemical difference between aspartic acid and glutamic acid.

NM_000169.3(GLA):c.459C>A (p.Asp153Glu)

Genes: GLA (galactosidase alpha; minus strand), RPL36A-HNRNPH2 (RPL36A-HNRNPH2 readthrough; plus strand). Cytogenetic location: Xq22.1.
Variant type: single nucleotide variant.
Coding change: c.459C>A on transcript NM_000169.3 (MANE Select); coding-DNA position 459, C replaced by A.
Protein change: p.Asp153Glu; replaces aspartic acid 153 with glutamic acid.
Molecular consequence: missense variant. On other transcripts: non-coding transcript variant (3), intron variant (2).
Genome position (GRCh38, 1-based): chrX:101,401,720, G>T on the plus strand (C>A on the coding strand, the complement: GLA is on the minus strand). VCF-style: chrX-101401720-G-T. GRCh37 (hg19) VCF-style: chrX-100656708-G-T.
Other names: c.582C>A, p.Asp194Glu (NM_001406747.1, NM_001406749.1); c.459C>A, p.Asp153Glu (NM_001406748.1); c.300+6263G>T (NM_001199973.2); c.177+9898G>T (NM_001199974.2); short protein forms D153E, D194E.
Identifiers: ClinVar variation 1401014 (VCV001401014.8), dbSNP rs1555985819, ClinGen allele CA413929568.